The following is an entry in ClinVar:

NM_000179.3(MSH6):c.4004A>C (p.Glu1335Ala)

Gene: MSH6 (mutS homolog 6; plus strand). Cytogenetic location: 2p16.3.
Variant type: single nucleotide variant.
Coding change: c.4004A>C on transcript NM_000179.3 (MANE Select); coding-DNA position 4004, A replaced by C.
Protein change: p.Glu1335Ala; replaces glutamic acid 1335 with alanine.
Molecular consequence: missense variant.
Genome position (GRCh38, 1-based): chr2:47,806,781, A>C. VCF-style: chr2-47806781-A-C. GRCh37 (hg19) VCF-style: chr2-48033920-A-C.
Other names: c.3614A>C, p.Glu1205Ala (NM_001281492.2); c.3098A>C, p.Glu1033Ala (NM_001281493.2, NM_001281494.2); short protein forms E1335A, E1033A, E1205A.
Identifiers: ClinVar variation 141327 (VCV000141327.53), dbSNP rs564434147, ClinGen allele CA015298.

ClinVar aggregate classification (germline): Conflicting classifications of pathogenicity. Review status: criteria provided, conflicting classifications (1 of 4 stars). 16 submissions from 16 submitters: Uncertain significance (8); Likely benign (6). 2 of the submissions do not count toward it. Last evaluated 2026-08-12.

Conditions:
MSH6-related disorder. Also called: MSH6-Related disorders; MSH6-related condition.
Hereditary nonpolyposis colorectal neoplasms. Identifiers: MedGen C0009405, MeSH D003123.
Hereditary cancer-predisposing syndrome. Also called: Tumor predisposition; Neoplastic Syndromes, Hereditary; Hereditary neoplastic syndrome; Hereditary Cancer Syndrome. Identifiers: Orphanet 140162, MedGen C0027672, MeSH D009386, MONDO:0015356.
Lynch syndrome 5 (LYNCH5). Also called: Colorectal cancer, hereditary nonpolyposis, type 5; Hereditary non-polyposis colorectal cancer, type 5. Identifiers: Orphanet 144, MedGen C1833477, MONDO:0013710, OMIM 614350. Disease mechanism: loss of function.
Endometrial carcinoma. Also called: Endometrial carcinoma, somatic. Identifiers: MedGen C0476089, MONDO:0002447, OMIM 608089, HP:0012114.

Allele frequency attached by ClinVar (database versions not stated): gnomAD 0.00004 and 0.00005; gnomAD exomes 0.00005 and 0.00009; ExAC 0.00009; 1000 Genomes Project 30x 0.00016; 1000 Genomes Project 0.00020.
gnomAD v4.1: 83 of 1,590,584 alleles (0.0052%); highest among the groups gnomAD compares: Middle Eastern, 0.05%; no homozygotes.

Submissions 1 to 10 of 16:

PreventionGenetics, part of Exact Sciences
Classification: Uncertain significance for MSH6-related condition. Last evaluated: 2026-08-12. Review status: criteria provided, single submitter. Criteria: ACMG Guidelines, 2015. Collection method: clinical testing. Allele origin: germline.
Comment: The MSH6 c.4004A>C variant is predicted to result in the amino acid substitution p.Glu1335Ala. This variant has been reported in individuals with a history of Lynch syndrome, astrocytoma, and breast and/or ovarian cancer (Rodríguez-Hernández et al. 2013. PubMed ID: 24073290; Pérez-Cabornero et al. 2013. PubMed ID: 23523604; Cock-Rada et al. 2018. PubMed ID: 28528518; Supp Tables 2 and 3, Nikitin et al. 2020. PubMed ID: 32547938). This variant has also been identified in individuals without cancer but who had a family history of colon or uterine cancer (Table S3, de Oliveira et al. 2022. PubMed ID: 35534704). This variant is reported in 0.031% of alleles in individuals of South Asian descent in gnomAD and has conflicting interpretations regarding its pathogenicity in ClinVar, ranging from likely benign to uncertain (Variation ID: 141327). At this time, the clinical significance of this variant is uncertain due to the absence of conclusive functional and genetic evidence.

Labcorp Genetics (formerly Invitae), Labcorp
Classification: Likely benign for Hereditary nonpolyposis colorectal neoplasms. Last evaluated: 2026-01-18. Review status: criteria provided, single submitter. Criteria: Invitae Variant Classification Sherloc (09022015). Collection method: clinical testing. Allele origin: germline.

Color Diagnostics, LLC DBA Color Health
Classification: Likely benign for Hereditary cancer-predisposing syndrome. Last evaluated: 2025-11-25. Review status: criteria provided, single submitter. Criteria: ACMG Guidelines, 2015. Collection method: clinical testing. Allele origin: germline.

Quest Diagnostics Nichols Institute San Juan Capistrano
Classification: Uncertain significance. Last evaluated: 2025-10-23. Review status: criteria provided, single submitter. Criteria: Quest Diagnostics criteria. Collection method: clinical testing. Allele origin: unknown.
Comment: The MSH6 c.4004A>C (p.Glu1335Ala) variant has been reported in the published literature in individuals with breast and/or ovarian cancer (PMID: 28528518 (2017), 32547938 (2020), 33471991 (2021), see also LOVD), colorectal cancer (PMID: 23523604 (2013)), astrocytoma (PMID: 24073290 (2013)), and suspected of Lynch syndrome (PMID: 31391288 (2020)). This variant has also been identified in reportedly unaffected individuals (PMID: 35534704 (2022), 33471991 (2021), see also LOVD). The frequency of this variant in the general population (Genome Aggregation Database) is higher than would generally be expected for pathogenic variants in this gene. Analysis of this variant using bioinformatics tools for the prediction of the effect of amino acid changes on protein structure and function yielded predictions that this variant is benign. Based on the available information, we are unable to determine the clinical significance of this variant.

Ambry Genetics
Classification: Uncertain significance for Hereditary cancer-predisposing syndrome. Last evaluated: 2025-08-28. Review status: criteria provided, single submitter. Criteria: Ambry Variant Classification Scheme 2023. Collection method: clinical testing. Allele origin: germline.

Myriad Genetics, Inc.
Classification: Likely benign for Lynch syndrome 5. Last evaluated: 2025-01-09. Review status: criteria provided, single submitter. Criteria: Myriad Autosomal Dominant, Autosomal Recessive and X-Linked Classification Criteria (2023). Collection method: clinical testing. Allele origin: unknown.
Comment: This variant is considered likely benign. This variant is strongly associated with less severe personal and family histories of cancer, typical for individuals without pathogenic variants in this gene [PMID: 27363726].

Blueprint Genetics
Classification: Uncertain significance. Last evaluated: 2024-10-08. Review status: criteria provided, single submitter. Criteria: ACMG Guidelines, 2015. Collection method: clinical testing. Allele origin: germline.

Molecular Diagnostics Laboratory, Catalan Institute of Oncology
Classification: Likely benign for Hereditary cancer-predisposing syndrome. Last evaluated: 2024-09-16. Review status: criteria provided, single submitter. Criteria: MMR VCEP Paper Draft V3.1. Collection method: clinical testing. Allele origin: germline.
Comment: BP4, BP5 c.4004A>C, located in exon 10 of the MSH6 gene, is predicted to result in the substitution of glutamic acid by alanine at codon 1335, p.(Glu1335Ala). This variant is found in 10/257458 alleles at a frequency of 0.008% in the gnomAD v2.1.1 database, non-cancer dataset. Computational tools for this variant suggest no significant impact on splicing and does not affect the protein function (MAPP+PolyPhen-2 prior probability for pathogenicity: 0.10) (BP4). To our knowledge, well-established functional studies have not been reported for this variant. It has been reported in at least 3 colorectal cancer samples with microsatellite stability and/or no consistent loss of MMR protein expression (PMID:23523604 and internal data). This variant has been reported in the ClinVar database (10x uncertain significance, 2x likely benign) and in LOVD (classified 1x uncertain significance, 1x likely benign), but it has not been classified by InSiGHT. Based on currently available information, the variant c.4004A>C should be considered a likely benign variant.

Women's Health and Genetics/Laboratory Corporation of America, LabCorp
Classification: Likely benign. Last evaluated: 2024-03-26. Review status: criteria provided, single submitter. Criteria: LabCorp Variant Classification Summary - May 2015. Collection method: clinical testing. Allele origin: germline.
Comment: Variant summary: MSH6 c.4004A>C (p.Glu1335Ala) results in a non-conservative amino acid change in the encoded protein sequence. Three of five in-silico tools predict a benign effect of the variant on protein function. Consensus agreement among computation tools predict no significant impact on normal splicing. However, these predictions have yet to be confirmed by functional studies. The variant allele was found at a frequency of 5.2e-05 in 1590584 control chromosomes, predominantly at a frequency of 0.00036 within the South Asian subpopulation in the gnomAD database. The observed variant frequency within South Asian control individuals in the gnomAD database is approximately 2.5 fold of the estimated maximal expected allele frequency for a pathogenic variant in MSH6 causing Lynch syndrome (0.00014), strongly suggesting that the variant is a benign polymorphism found primarily in populations of South Asian origin. c.4004A>C has been reported in the literature in individuals undergoing multigene panel testing for hereditary cancers such as Lynch, low grade astrocytoma and breast (example, Perez-Cabornero_2013, Rodriguez-Hernandez_2013, Cock-Rada_2017, Nikitin_2020). These report(s) do not provide unequivocal conclusions about association of the variant with Lynch Syndrome. At-least three co-occurrences with other pathogenic variant(s) have been reported in the literature and observed at our laboratory (BRCA1 c.5266dupC, p.Gln1756Profs, Nikitin_2020; PALB2 c.1317delG, p.Phe440fs, internal testing; CDH1 c.537delA , p.Lys179Asnfs*36, internal testing), providing supporting evidence for a benign role. To our knowledge, no experimental evidence demonstrating an impact on protein function has been reported. A study that computed a tumor characteristic likelihood ratio (TCLR) in combination with in-silico predictors and multifactorial variant prediction (MVP) model including allele frequency, co-occurrence, co-segregation, clinical and family history information classified this variant a "likely benign". The following publications have been ascertained in the context of this evaluation (PMID: 30306255, 28528518, 31391288, 32547938, 23523604, 24073290). ClinVar contains an entry for this variant (Variation ID: 141327). Some submitters cite overlapping but not identical evidences utilized in the context of this evaluation. Based on the evidence outlined above, the variant was classified as likely benign.

Baylor Genetics
Classification: Uncertain significance for Endometrial carcinoma. Last evaluated: 2024-03-13. Review status: criteria provided, single submitter. Criteria: ACMG Guidelines, 2015. Collection method: clinical testing. Allele origin: unknown.